The following is an entry in ClinVar:

NM_023935.3(DDRGK1):c.284C>G (p.Ala95Gly)

Gene: DDRGK1 (DDRGK domain containing 1; minus strand). Cytogenetic location: 20p13.
Variant type: single nucleotide variant.
Coding change: c.284C>G on transcript NM_023935.3 (MANE Select); coding-DNA position 284, C replaced by G.
Protein change: p.Ala95Gly; replaces alanine 95 with glycine.
Molecular consequence: missense variant.
Genome position (GRCh38, 1-based): chr20:3,203,224, G>C on the plus strand (C>G on the coding strand, the complement: DDRGK1 is on the minus strand). VCF-style: chr20-3203224-G-C. GRCh37 (hg19) VCF-style: chr20-3183870-G-C.
Other names: c.284C>G (NM_023935.1); short protein forms A95G.
Identifiers: ClinVar variation 1494008 (VCV001494008.10), dbSNP rs528365894, ClinGen allele CA9740988.

ClinVar aggregate classification (germline): Uncertain significance. Review status: criteria provided, multiple submitters, no conflicts (2 of 4 stars). 2 submissions from 2 submitters: Uncertain significance (2). Last evaluated 2025-11-20.

Conditions:
Inborn genetic diseases. Identifiers: MedGen C0950123, MeSH D030342.

Allele frequency attached by ClinVar (database versions not stated): gnomAD exomes 0.00002 and 0.00004; TOPMed 0.00002; gnomAD 0.00004; ExAC 0.00005.

Submissions (2):

Ambry Genetics
Classification: Uncertain significance for Inborn genetic diseases. Last evaluated: 2025-11-20. Review status: criteria provided, single submitter. Criteria: Ambry Variant Classification Scheme 2023. Collection method: clinical testing. Allele origin: germline.

Labcorp Genetics (formerly Invitae), Labcorp
Classification: Uncertain significance. Last evaluated: 2022-08-21. Review status: criteria provided, single submitter. Criteria: Invitae Variant Classification Sherloc (09022015). Collection method: clinical testing. Allele origin: germline.
Comment: This variant has not been reported in the literature in individuals affected with DDRGK1-related conditions. ClinVar contains an entry for this variant (Variation ID: 1494008). Algorithms developed to predict the effect of missense changes on protein structure and function output the following: SIFT: "Not Available"; PolyPhen-2: "Benign"; Align-GVGD: "Not Available". The glycine amino acid residue is found in multiple mammalian species, which suggests that this missense change does not adversely affect protein function. In summary, the available evidence is currently insufficient to determine the role of this variant in disease. Therefore, it has been classified as a Variant of Uncertain Significance. This variant is present in population databases (rs528365894, gnomAD 0.003%). This sequence change replaces alanine, which is neutral and non-polar, with glycine, which is neutral and non-polar, at codon 95 of the DDRGK1 protein (p.Ala95Gly).